The following is an entry in ClinVar:

NM_004859.4(CLTC):c.2096_2099del (p.Ile699fs)

Gene: CLTC (clathrin heavy chain; plus strand). Cytogenetic location: 17q23.1.
Variant type: Deletion.
Coding change: c.2096_2099del on transcript NM_004859.4 (MANE Select); coding-DNA positions 2096 to 2099, 4 bases deleted (TTGA; older notation c.2096_2099delTTGA).
Protein change: p.Ile699fs; shifts the reading frame from isoleucine 699.
Molecular consequence: frameshift variant.
Genome position (GRCh38, 1-based): chr17:59,666,945-59,666,948, TTGA deleted; deleting any 4 consecutive bases within chr17:59,666,942-59,666,948 gives the same sequence; the c. name uses the placement nearest the transcript's 3' end. VCF-style (leftmost placement, unchanged base first): chr17-59666941-CTGAT-C. GRCh37 (hg19) VCF-style: chr17-57744302-CTGAT-C.
Other names: c.2108_2111del, p.Ile703fs (NM_001288653.2); short protein forms I699fs, I703fs.
Identifiers: ClinVar variation 1710450 (VCV001710450.3), dbSNP rs2032745316, ClinGen allele CA985112870.

ClinVar aggregate classification (germline): Likely pathogenic (1 of 4 stars; one submission).

Conditions:
Intellectual developmental disorder, autosomal dominant 56. Also called: Intellectual disability, autosomal dominant 56; MENTAL RETARDATION, AUTOSOMAL DOMINANT 56. Identifiers: MedGen C4693389, MONDO:0030922, OMIM 617854.

Submission:

Greenwood Genetic Center Diagnostic Laboratories, Greenwood Genetic Center
Classification: Likely pathogenic for Intellectual developmental disorder, autosomal dominant 56. Last evaluated: 2022-07-25. Review status: criteria provided, single submitter. Criteria: ACMG Guidelines, 2015. Collection method: clinical testing. Allele origin: germline. Affected: yes.
Comment: PVS1, PM2